The following is an entry in ClinVar:

NM_002471.4(MYH6):c.3472G>T (p.Ala1158Ser)

Gene: MYH6 (myosin heavy chain 6; minus strand). Cytogenetic location: 14q11.2.
Variant type: single nucleotide variant.
Coding change: c.3472G>T on transcript NM_002471.4 (MANE Select); coding-DNA position 3472, G replaced by T.
Protein change: p.Ala1158Ser; replaces alanine 1158 with serine.
Molecular consequence: missense variant.
Genome position (GRCh38, 1-based): chr14:23,390,317, C>A on the plus strand (G>T on the coding strand, the complement: MYH6 is on the minus strand). VCF-style: chr14-23390317-C-A. GRCh37 (hg19) VCF-style: chr14-23859526-C-A.
Other names: c.3472G>T (NM_002471.3); short protein forms A1158S.
Identifiers: ClinVar variation 1367791 (VCV001367791.7), dbSNP rs751768285, ClinGen allele CA7115169.

ClinVar aggregate classification (germline): Uncertain significance. Review status: criteria provided, multiple submitters, no conflicts (2 of 4 stars). 2 submissions from 2 submitters: Uncertain significance (2). Last evaluated 2024-09-03.

Conditions:
Hypertrophic cardiomyopathy 14. Identifiers: MedGen C2750467, MONDO:0013197, OMIM 613251.

Allele frequency attached by ClinVar (database versions not stated): gnomAD exomes below 0.00001; ExAC 0.00001.

Submissions (2):

GeneDx
Classification: Uncertain significance. Last evaluated: 2024-09-03. Review status: criteria provided, single submitter. Criteria: GeneDx Variant Classification Process June 2021. Collection method: clinical testing. Allele origin: germline. Affected: yes.
Comment: Not observed at significant frequency in large population cohorts (gnomAD); In silico analysis supports that this missense variant does not alter protein structure/function; Has not been previously published as pathogenic or benign to our knowledge

Labcorp Genetics (formerly Invitae), Labcorp
Classification: Uncertain significance for Hypertrophic cardiomyopathy 14. Last evaluated: 2021-08-30. Review status: criteria provided, single submitter. Criteria: Invitae Variant Classification Sherloc (09022015). Collection method: clinical testing. Allele origin: germline.
Comment: This sequence change replaces alanine with serine at codon 1158 of the MYH6 protein (p.Ala1158Ser). The alanine residue is weakly conserved and there is a moderate physicochemical difference between alanine and serine. The frequency data for this variant in the population databases is considered unreliable, as metrics indicate poor data quality at this position in the ExAC database. This variant has not been reported in the literature in individuals affected with MYH6-related conditions. Algorithms developed to predict the effect of missense changes on protein structure and function are either unavailable or do not agree on the potential impact of this missense change (SIFT: "Deleterious"; PolyPhen-2: "Possibly Damaging"; Align-GVGD: "Class C0"). In summary, the available evidence is currently insufficient to determine the role of this variant in disease. Therefore, it has been classified as a Variant of Uncertain Significance.